The following is an entry in ClinVar:

ClinVar aggregate classification (germline): Uncertain significance (1 of 4 stars; one submission).

Submission:

Ambry Genetics
Classification: Uncertain significance. Last evaluated: 2024-04-30. Review status: criteria provided, single submitter. Criteria: Ambry Variant Classification Scheme 2023. Collection method: clinical testing. Allele origin: germline.
Comment: The p.K1667R variant (also known as c.5000A>G), located in coding exon 4 of the ALPK2 gene, results from an A to G substitution at nucleotide position 5000. The lysine at codon 1667 is replaced by arginine, an amino acid with highly similar properties. This amino acid position is conserved. In addition, this alteration is predicted to be tolerated by in silico analysis. Based on the available evidence, the clinical significance of this variant remains unclear.

NM_052947.4(ALPK2):c.5000A>G (p.Lys1667Arg)

Genes: ALPK2 (alpha kinase 2; minus strand), LOC130062577 (ATAC-STARR-seq lymphoblastoid active region 13389; plus strand). Cytogenetic location: 18q21.31.
Variant type: single nucleotide variant.
Coding change: c.5000A>G on transcript NM_052947.4 (MANE Select); coding-DNA position 5000, A replaced by G.
Protein change: p.Lys1667Arg; replaces lysine 1667 with arginine.
Molecular consequence: missense variant.
Genome position (GRCh38, 1-based): chr18:58,535,187, T>C on the plus strand (A>G on the coding strand, the complement: ALPK2 is on the minus strand). VCF-style: chr18-58535187-T-C. GRCh37 (hg19) VCF-style: chr18-56202419-T-C.
Other names: short protein forms K1667R.
Identifiers: ClinVar variation 3290260 (VCV003290260.1).